The following is an entry in ClinVar:

ClinVar aggregate classification (germline): Conflicting classifications of pathogenicity. Review status: criteria provided, conflicting classifications (1 of 4 stars). 2 submissions from 2 submitters: Likely pathogenic (1); Uncertain significance (1). Last evaluated 2021-01-12.

Submissions (2):

GeneDx
Classification: Uncertain significance. Last evaluated: 2021-01-12. Review status: criteria provided, single submitter. Criteria: GeneDx Variant Classification Process June 2021. Collection method: clinical testing. Allele origin: germline. Affected: yes.
Comment: Not observed in large population cohorts (Lek et al., 2016); In silico analysis supports that this missense variant has a deleterious effect on protein structure/function; Has not been previously published as pathogenic or benign to our knowledge; A different missense change at this residue (p.Leu278Pro) has been reported in in the published literature (Merello et al., 2013)

Genetic Services Laboratory, University of Chicago
Classification: Likely pathogenic. Last evaluated: 2017-12-07. Review status: criteria provided, single submitter. Criteria: ACMG Guidelines, 2015. Collection method: clinical testing. Allele origin: germline. Affected: yes.

NM_005515.4(MNX1):c.832C>T (p.Leu278Phe)

Genes: MNX1 (motor neuron and pancreas homeobox 1; minus strand), MNX1-AS2 (MNX1 antisense RNA 2; plus strand). Cytogenetic location: 7q36.3.
Variant type: single nucleotide variant.
Coding change: c.832C>T on transcript NM_005515.4 (MANE Select); coding-DNA position 832, C replaced by T.
Protein change: p.Leu278Phe; replaces leucine 278 with phenylalanine.
Molecular consequence: missense variant.
Genome position (GRCh38, 1-based): chr7:157,006,499, G>A on the plus strand (C>T on the coding strand, the complement: MNX1 is on the minus strand). VCF-style: chr7-157006499-G-A. GRCh37 (hg19) VCF-style: chr7-156799193-G-A.
Other names: c.196C>T, p.Leu66Phe (NM_001165255.2); short protein forms L278F, L66F.
Identifiers: ClinVar variation 1314025 (VCV001314025.7), dbSNP rs370066878, ClinGen allele CA370162435.